The following is an entry in ClinVar:

NM_015175.3(NBEAL2):c.6054C>G (p.Pro2018=)

Gene: NBEAL2 (neurobeachin like 2; plus strand). Cytogenetic location: 3p21.31.
Variant type: single nucleotide variant.
Coding change: c.6054C>G on transcript NM_015175.3 (MANE Select); coding-DNA position 6054, C replaced by G.
Protein change: p.Pro2018=; no amino-acid change (proline 2018 retained).
Molecular consequence: synonymous variant.
Genome position (GRCh38, 1-based): chr3:47,004,249, C>G. VCF-style: chr3-47004249-C-G. GRCh37 (hg19) VCF-style: chr3-47045739-C-G.
Other names: p.Pro2018=; c.5952C>G, p.Pro1984= (NM_001365116.2).
Identifiers: ClinVar variation 260586 (VCV000260586.19), dbSNP rs1079276, ClinGen allele CA2361731.

ClinVar aggregate classification (germline): Benign/Likely benign. Review status: criteria provided, multiple submitters, no conflicts (2 of 4 stars). 10 submissions from 10 submitters: Benign (7); Likely benign (1). 2 of the submissions do not count toward it. Last evaluated 2026-02-01.

Conditions:
Gray platelet syndrome (GPS). Also called: BLEEDING DISORDER, PLATELET-TYPE, 4. Identifiers: Orphanet 721, MedGen C0272302, MONDO:0007686, OMIM 139090.

Allele frequency attached by ClinVar (database versions not stated): TOPMed 0.46797; 1000 Genomes Project 30x 0.46830; 1000 Genomes Project 0.47204; ESP Exome Variant Server 0.47210.
gnomAD v4.1: 899,164 of 1,613,396 alleles (56%); highest among the groups gnomAD compares: Non-Finnish European, 58%; 254,952 homozygotes.

Submissions (10):

Labcorp Genetics (formerly Invitae), Labcorp
Classification: Benign. Last evaluated: 2026-02-01. Review status: criteria provided, single submitter. Criteria: Invitae Variant Classification Sherloc (09022015). Collection method: clinical testing. Allele origin: germline.

Blueprint Genetics
Classification: Likely benign. Last evaluated: 2024-11-26. Review status: criteria provided, single submitter. Criteria: ACMG Guidelines, 2015. Collection method: clinical testing. Allele origin: germline.

Mayo Clinic Laboratories, Mayo Clinic
Classification: Benign. Last evaluated: 2022-09-29. Review status: criteria provided, single submitter. Criteria: ACMG Guidelines, 2015. Collection method: clinical testing. Allele origin: germline. Observed: 410 variant alleles.

Genome-Nilou Lab
Classification: Benign for Gray platelet syndrome. Last evaluated: 2021-09-05. Review status: criteria provided, single submitter. Criteria: ACMG Guidelines, 2015. Collection method: clinical testing. Allele origin: germline. Affected: no.

GeneDx
Classification: Benign. Last evaluated: 2018-12-05. Review status: criteria provided, single submitter. Criteria: GeneDx Variant Classification Process June 2021. Collection method: clinical testing. Allele origin: germline. Affected: yes.

Illumina Laboratory Services, Illumina
Classification: Benign for Gray platelet syndrome. Last evaluated: 2018-01-13. Review status: criteria provided, single submitter. Criteria: ICSL Variant Classification Criteria 13 December 2019. Collection method: clinical testing. Allele origin: germline.
Comment: This variant was observed in the ICSL laboratory as part of a predisposition screen in an ostensibly healthy population. It had not been previously curated by ICSL or reported in the Human Gene Mutation Database (HGMD: prior to June 1st, 2018), and was therefore a candidate for classification through an automated scoring system. Utilizing variant allele frequency, disease prevalence and penetrance estimates, and inheritance mode, an automated score was calculated to assess if this variant is too frequent to cause the disease. Based on the score and internal cut-off values, a variant classified as benign is not then subjected to further curation. The score for this variant resulted in a classification of benign for this disease.

Breakthrough Genomics
Classification: Benign. Review status: criteria provided, single submitter. Criteria: ACMG Guidelines, 2015. Collection method: not provided. Allele origin: germline. Inheritance: Autosomal recessive inheritance. Affected: yes.

PreventionGenetics, part of Exact Sciences
Classification: Benign. Review status: criteria provided, single submitter. Criteria: ACMG Guidelines, 2015. Collection method: clinical testing. Allele origin: germline.

Diagnostic Laboratory, Department of Genetics, University Medical Center Groningen
Classification: Benign. Review status: no assertion criteria provided. Collection method: clinical testing. Allele origin: germline. Affected: yes. Study: VKGL Data-share Consensus. Not counted in ClinVar's aggregate classification.

Joint Genome Diagnostic Labs from Nijmegen and Maastricht, Radboudumc and MUMC+
Classification: Benign. Review status: no assertion criteria provided. Collection method: clinical testing. Allele origin: germline. Affected: yes. Study: VKGL Data-share Consensus. Not counted in ClinVar's aggregate classification.